The following is an entry in ClinVar:

ClinVar aggregate classification (germline): Pathogenic. Review status: criteria provided, multiple submitters, no conflicts (2 of 4 stars). 3 submissions from 3 submitters: Pathogenic (3). Last evaluated 2025-12-15.

Conditions:
Autosomal recessive severe congenital neutropenia due to G6PC3 deficiency. Also called: G6PC3 Deficiency; NEUTROPENIA, SEVERE CONGENITAL, 4, AUTOSOMAL RECESSIVE. Identifiers: Orphanet 331176, MedGen C2751630, MONDO:0012930, OMIM 612541.

Allele frequency attached by ClinVar (database versions not stated): gnomAD exomes 0.00001 and below 0.00001; TOPMed 0.00001; gnomAD 0.00003.

Submissions (3):

Labcorp Genetics (formerly Invitae), Labcorp
Classification: Pathogenic for Autosomal recessive severe congenital neutropenia due to G6PC3 deficiency. Last evaluated: 2025-12-15. Review status: criteria provided, single submitter. Criteria: Invitae Variant Classification Sherloc (09022015). Collection method: clinical testing. Allele origin: germline.
Comment: This sequence change creates a premature translational stop signal (p.Ile70Hisfs*17) in the G6PC3 gene. It is expected to result in an absent or disrupted protein product. Loss-of-function variants in G6PC3 are known to be pathogenic (PMID: 19118303, 25491320). This variant is present in population databases (no rsID available, gnomAD 0.002%). This premature translational stop signal has been observed in individual(s) with Dursun syndrome (PMID: 31564432). ClinVar contains an entry for this variant (Variation ID: 691992). For these reasons, this variant has been classified as Pathogenic.

Mayo Clinic Laboratories, Mayo Clinic
Classification: Pathogenic. Last evaluated: 2022-06-01. Review status: criteria provided, single submitter. Criteria: ACMG Guidelines, 2015. Collection method: clinical testing. Allele origin: germline. Observed: 1 variant allele.
Comment: PM2, PM3_strong, PVS1

Rady Children's Institute for Genomic Medicine, Rady Children's Hospital San Diego
Classification: Pathogenic for PULMONARY ARTERIAL HYPERTENSION, LEUKOPENIA, AND ATRIAL SEPTAL DEFECT. Last evaluated: 2017-07-19. Review status: criteria provided, single submitter. Criteria: ACMG Guidelines, 2015. Collection method: clinical testing. Allele origin: germline. Affected: yes. Observed: 1 variant allele.
Comment: This frameshifting variant is predicted to result in premature truncation of the G6PC3 protein. This variant has not been previously reported in the literature to our knowledge. However, a similar pathogenic variant just one base pair downstream of this variant has been reported in a patient with Dursun syndrome (PMID: 22050868). This variant was not detected in any allele frequency databases and thus it is presumed to be rare. Based on the available evidence, this variant is classified as pathogenic.

Literature cited by the submitters: PubMed 19118303 (cited by Labcorp Genetics (formerly Invitae), Labcorp); PubMed 25491320 (cited by Labcorp Genetics (formerly Invitae), Labcorp); PubMed 31564432 (cited by Labcorp Genetics (formerly Invitae), Labcorp and Mayo Clinic Laboratories, Mayo Clinic); PubMed 31019026 (cited by Mayo Clinic Laboratories, Mayo Clinic).

NM_138387.4(G6PC3):c.207dup (p.Ile70fs)

Genes: G6PC3 (glucose-6-phosphatase catalytic subunit 3; plus strand), LOC130060959 (ATAC-STARR-seq lymphoblastoid active region 12250; plus strand). Cytogenetic location: 17q21.31.
Variant type: Duplication.
Coding change: c.207dup on transcript NM_138387.4 (MANE Select); coding-DNA position 207, one base duplicated (C; older notation c.207dupC).
Protein change: p.Ile70fs; shifts the reading frame from isoleucine 70.
Molecular consequence: frameshift variant. On other transcripts: 5 prime UTR variant (3), intron variant (1).
Genome position (GRCh38, 1-based): chr17:44,071,172, C duplicated. VCF-style (leftmost placement, unchanged base first): chr17-44071171-T-TC. GRCh37 (hg19) VCF-style: chr17-42148539-T-TC.
Other names: p.Ile70Hisfs*17; c.207dup, p.Ile70fs (NM_001319945.2); c.-198dup (NM_001384165.1); c.-333dup (NM_001384166.1); c.-323dup (NM_001384167.1); c.-311-456dup (NM_001384168.1); c.207dupC (NM_138387.3); c.207dup (NM_138387.3); short protein forms I70fs.
Identifiers: ClinVar variation 691992 (VCV000691992.13), dbSNP rs1191239079, ClinGen allele CA626222688.